The following is an entry in ClinVar:

NM_001089.3(ABCA3):c.1268G>A (p.Gly423Glu)

Gene: ABCA3 (ATP binding cassette subfamily A member 3; minus strand). Cytogenetic location: 16p13.3.
Variant type: single nucleotide variant.
Coding change: c.1268G>A on transcript NM_001089.3 (MANE Select); coding-DNA position 1268, G replaced by A.
Protein change: p.Gly423Glu; replaces glycine 423 with glutamic acid.
Molecular consequence: missense variant.
Genome position (GRCh38, 1-based): chr16:2,308,467, C>T on the plus strand (G>A on the coding strand, the complement: ABCA3 is on the minus strand). VCF-style: chr16-2308467-C-T. GRCh37 (hg19) VCF-style: chr16-2358468-C-T.
Other names: short protein forms G423E.
Identifiers: ClinVar variation 3955273 (VCV003955273.2).

ClinVar aggregate classification (germline): Uncertain significance (1 of 4 stars; one submission).

Conditions:
Hereditary pulmonary alveolar proteinosis. Also called: Pulmonary surfactant metabolism dysfunction. Identifiers: Orphanet 264675, MedGen C3711368, MONDO:0012580.

gnomAD v4.1: 20 of 1,614,210 alleles (0.0012%); highest among the groups gnomAD compares: Non-Finnish European, 0.0014%; no homozygotes.

Submission:

Ambry Genetics
Classification: Uncertain significance for Hereditary pulmonary alveolar proteinosis. Last evaluated: 2025-12-16. Review status: criteria provided, single submitter. Criteria: Ambry Variant Classification Scheme 2023. Collection method: clinical testing. Allele origin: germline.
Comment: The p.G423E variant (also known as c.1268G>A), located in coding exon 8 of the ABCA3 gene, results from a G to A substitution at nucleotide position 1268. The glycine at codon 423 is replaced by glutamic acid, an amino acid with similar properties. This amino acid position is conserved. In addition, the in silico prediction for this alteration is inconclusive. Based on the available evidence, the clinical significance of this variant remains unclear.